The following is an entry in ClinVar:

ClinVar aggregate classification (germline): Likely benign. Review status: criteria provided, multiple submitters, no conflicts (2 of 4 stars). 2 submissions from 2 submitters: Likely benign (2). Last evaluated 2025-01-06.

Conditions:
Early-infantile DEE. Also called: Ohtahara syndrome; Early infantile epileptic encephalopathy; Early infantile epileptic encephalopathy with suppression bursts. Identifiers: Orphanet 1934, MedGen C0393706, MONDO:0800491.

Allele frequency attached by ClinVar (database versions not stated): gnomAD exomes 0.00002 and 0.00003; ExAC 0.00003; gnomAD 0.00004; TOPMed 0.00004; ESP Exome Variant Server 0.00008.
gnomAD v4.1: 47 of 1,614,098 alleles (0.0029%); highest among the groups gnomAD compares: Middle Eastern, 0.016%; no homozygotes.

Submissions (2):

Labcorp Genetics (formerly Invitae), Labcorp
Classification: Likely benign for Early-infantile DEE. Last evaluated: 2025-01-06. Review status: criteria provided, single submitter. Criteria: Invitae Variant Classification Sherloc (09022015). Collection method: clinical testing. Allele origin: germline.

CeGaT Center for Human Genetics Tuebingen
Classification: Likely benign. Last evaluated: 2025-01-01. Review status: criteria provided, single submitter. Criteria: CeGaT Center For Human Genetics Tuebingen Variant Classification Criteria Version 2. Collection method: clinical testing. Allele origin: germline. Affected: yes. Observed: 1 variant allele.
Comment: SPTAN1: BP4, BP7

NM_001130438.3(SPTAN1):c.6150C>T (p.Ala2050=)

Gene: SPTAN1 (spectrin alpha, non-erythrocytic 1; plus strand). Cytogenetic location: 9q34.11.
Variant type: single nucleotide variant.
Coding change: c.6150C>T on transcript NM_001130438.3 (MANE Select); coding-DNA position 6150, C replaced by T.
Protein change: p.Ala2050=; no amino-acid change (alanine 2050 retained).
Molecular consequence: synonymous variant.
Genome position (GRCh38, 1-based): chr9:128,625,849, C>T. VCF-style: chr9-128625849-C-T. GRCh37 (hg19) VCF-style: chr9-131388128-C-T.
Other names: c.6090C>T, p.Ala2030= (NM_001375314.2, NM_001363765.2); c.6186C>T, p.Ala2062= (NM_001375318.1, NM_001375312.2); c.6135C>T, p.Ala2045= (NM_003127.4); c.6075C>T, p.Ala2025= (NM_001195532.2); c.6150C>T, p.Ala2050= (NM_001363759.2, NM_001375310.1, NM_001375311.2 and 1 more transcripts).
Identifiers: ClinVar variation 1132719 (VCV001132719.23), dbSNP rs141602301, ClinGen allele CA5265651.
Genomic context (GRCh38, chr9:128,625,849, plus strand): 5'-GCAGGCCTTCCAGCAGGAAGGCATTGCCAACATCACTGCCCTCAAAGATCAGCTTCTCGC[C>T]GCCAAACACGTTCAGTCCAAGGCCATCGAGGCCCGGCACGCCTCCCTCATGAAGAGGTGG-3'
Protein context (NP_001123910.1, residues 2040-2060): NITALKDQLL[Ala2050=]AKHVQSKAIE